The following is an entry in ClinVar:

NM_003482.4(KMT2D):c.7852C>G (p.Pro2618Ala)

Gene: KMT2D (lysine methyltransferase 2D; minus strand). Cytogenetic location: 12q13.12.
Variant type: single nucleotide variant.
Coding change: c.7852C>G on transcript NM_003482.4 (MANE Select); coding-DNA position 7852, C replaced by G.
Protein change: p.Pro2618Ala; replaces proline 2618 with alanine.
Molecular consequence: missense variant.
Genome position (GRCh38, 1-based): chr12:49,039,918, G>C on the plus strand (C>G on the coding strand, the complement: KMT2D is on the minus strand). VCF-style: chr12-49039918-G-C. GRCh37 (hg19) VCF-style: chr12-49433701-G-C.
Other names: short protein forms P2618A.
Identifiers: ClinVar variation 3635136 (VCV003635136.2).

ClinVar aggregate classification (germline): Uncertain significance (1 of 4 stars; one submission).

Conditions:
Kabuki syndrome. Also called: NIIKAWA-KUROKI SYNDROME; Kabuki make-up syndrome. Identifiers: Orphanet 2322, MedGen C0796004, MONDO:0016512.

Submission:

Labcorp Genetics (formerly Invitae), Labcorp
Classification: Uncertain significance for Kabuki syndrome. Last evaluated: 2025-03-17. Review status: criteria provided, single submitter. Criteria: Invitae Variant Classification Sherloc (09022015). Collection method: clinical testing. Allele origin: germline.
Comment: This sequence change replaces proline, which is neutral and non-polar, with alanine, which is neutral and non-polar, at codon 2618 of the KMT2D protein (p.Pro2618Ala). This variant is not present in population databases (gnomAD no frequency). This variant has not been reported in the literature in individuals affected with KMT2D-related conditions. Invitae Evidence Modeling of protein sequence and biophysical properties (such as structural, functional, and spatial information, amino acid conservation, physicochemical variation, residue mobility, and thermodynamic stability) indicates that this missense variant is not expected to disrupt KMT2D protein function with a negative predictive value of 95%. Algorithms developed to predict the effect of sequence changes on RNA splicing suggest that this variant may create or strengthen a splice site. In summary, the available evidence is currently insufficient to determine the role of this variant in disease. Therefore, it has been classified as a Variant of Uncertain Significance.